The following is an entry in ClinVar:

ClinVar aggregate classification (germline): Benign (0 of 4 stars; one submission).

Conditions:
SPAG17-related disorder. Also called: SPAG17-related condition.

Allele frequency attached by ClinVar (database versions not stated): gnomAD exomes 0.00020; ExAC 0.00065; gnomAD 0.00219; TOPMed 0.00244; 1000 Genomes Project 30x 0.00265; ESP Exome Variant Server 0.00292; 1000 Genomes Project 0.00319.
gnomAD v4.1: 662 of 1,613,816 alleles (0.041%); highest among the groups gnomAD compares: African/African-American, 0.74%; 6 homozygotes.

Submission:

PreventionGenetics, part of Exact Sciences
Classification: Benign for SPAG17-related condition. Last evaluated: 2019-08-20. Review status: no assertion criteria provided. Collection method: clinical testing. Allele origin: germline.
Comment: This variant is classified as benign based on ACMG/AMP sequence variant interpretation guidelines (Richards et al. 2015 PMID: 25741868, with internal and published modifications).

NM_206996.4(SPAG17):c.3492A>G (p.Thr1164=)

Gene: SPAG17 (sperm associated antigen 17; minus strand). Cytogenetic location: 1p12.
Variant type: single nucleotide variant.
Coding change: c.3492A>G on transcript NM_206996.4 (MANE Select); coding-DNA position 3492, A replaced by G.
Protein change: p.Thr1164=; no amino-acid change (threonine 1164 retained).
Molecular consequence: synonymous variant.
Genome position (GRCh38, 1-based): chr1:118,031,809, T>C on the plus strand (A>G on the coding strand, the complement: SPAG17 is on the minus strand). VCF-style: chr1-118031809-T-C. GRCh37 (hg19) VCF-style: chr1-118574432-T-C.
Identifiers: ClinVar variation 3033201 (VCV003033201.2), dbSNP rs139045272, ClinGen allele CA1033675.